The following is an entry in ClinVar:

ClinVar aggregate classification (germline): Uncertain significance (1 of 4 stars; one submission).

Conditions:
Atrial fibrillation, familial, 18 (ATFB18). Identifiers: MedGen C4310636, MONDO:0015001, OMIM 617280.

gnomAD v4.1: 2 of 1,614,214 alleles (0.00012%); highest among the groups gnomAD compares: Admixed American, 0.0033%; no homozygotes.

Submission:

Labcorp Genetics (formerly Invitae), Labcorp
Classification: Uncertain significance for Atrial fibrillation, familial, 18. Last evaluated: 2020-10-07. Review status: criteria provided, single submitter. Criteria: Invitae Variant Classification Sherloc (09022015). Collection method: clinical testing. Allele origin: germline.
Comment: In summary, the available evidence is currently insufficient to determine the role of this variant in disease. Therefore, it has been classified as a Variant of Uncertain Significance. This sequence change replaces proline with leucine at codon 23 of the MYL4 protein (p.Pro23Leu). The proline residue is weakly conserved and there is a moderate physicochemical difference between proline and leucine. This variant is not present in population databases (ExAC no frequency). This variant has not been reported in the literature in individuals with MYL4-related conditions. Algorithms developed to predict the effect of missense changes on protein structure and function are either unavailable or do not agree on the potential impact of this missense change (SIFT: "Deleterious"; PolyPhen-2: "Not Available"; Align-GVGD: "Class C0").

NM_002476.2(MYL4):c.68C>T (p.Pro23Leu)

Gene: MYL4 (myosin light chain 4; plus strand). Cytogenetic location: 17q21.32.
Variant type: single nucleotide variant.
Coding change: c.68C>T on transcript NM_002476.2 (MANE Select); coding-DNA position 68, C replaced by T.
Protein change: p.Pro23Leu; replaces proline 23 with leucine.
Molecular consequence: missense variant.
Genome position (GRCh38, 1-based): chr17:47,209,490, C>T. VCF-style: chr17-47209490-C-T. GRCh37 (hg19) VCF-style: chr17-45286856-C-T.
Other names: c.68C>T, p.Pro23Leu (NM_001002841.2); short protein forms P23L.
Identifiers: ClinVar variation 1043151 (VCV001043151.8), dbSNP rs764371297, ClinGen allele CA400031016.